The following is an entry in ClinVar:

ClinVar aggregate classification (germline): Uncertain significance (1 of 4 stars; one submission).

gnomAD v4.1: 20 of 1,494,464 alleles (0.0013%); highest among the groups gnomAD compares: African/African-American, 0.0072%; no homozygotes.

Submission:

Women's Health and Genetics/Laboratory Corporation of America, LabCorp
Classification: Uncertain significance. Last evaluated: 2021-07-12. Review status: criteria provided, single submitter. Criteria: LabCorp Variant Classification Summary - May 2015. Collection method: clinical testing. Allele origin: germline.
Comment: Variant summary: CTF1 c.*14G>A is located in the untranslated mRNA region downstream of the termination codon. The variant allele was found at a frequency of 2.8e-05 in 106684 control chromosomes. The available data on variant occurrences in the general population are insufficient to allow any conclusion about variant significance. To our knowledge, no occurrence of c.*14G>A in individuals affected with Dilated Cardiomyopathy and no experimental evidence demonstrating its impact on protein function have been reported. No clinical diagnostic laboratories have submitted clinical-significance assessments for this variant to ClinVar after 2014. Based on the evidence outlined above, the variant was classified as uncertain significance.

NM_001330.5(CTF1):c.*14G>A

Gene: CTF1 (cardiotrophin 1; plus strand). Cytogenetic location: 16p11.2.
Variant type: single nucleotide variant.
Coding change: c.*14G>A on transcript NM_001330.5 (MANE Select); 14 bases downstream of the stop codon, G replaced by A.
Molecular consequence: 3 prime UTR variant. On other transcripts: non-coding transcript variant (1).
Genome position (GRCh38, 1-based): chr16:30,902,553, G>A. VCF-style: chr16-30902553-G-A. GRCh37 (hg19) VCF-style: chr16-30913874-G-A.
Other names: c.*14G>A (NM_001142544.3).
Identifiers: ClinVar variation 1192242 (VCV001192242.1), dbSNP rs370908045, ClinGen allele CA621857857.